The following is an entry in ClinVar:

NM_007294.4(BRCA1):c.132C>T (p.Cys44=)

Gene: BRCA1 (BRCA1 DNA repair associated; minus strand). Cytogenetic location: 17q21.31.
Variant type: single nucleotide variant.
Coding change: c.132C>T on transcript NM_007294.4 (MANE Select); coding-DNA position 132, C replaced by T.
Protein change: p.Cys44=; no amino-acid change (cysteine 44 retained).
Molecular consequence: synonymous variant. On other transcripts: 5 prime UTR variant (131), intron variant (41), splice donor variant (1).
Genome position (GRCh38, 1-based): chr17:43,115,728, G>A on the plus strand (C>T on the coding strand, the complement: BRCA1 is on the minus strand). VCF-style: chr17-43115728-G-A. GRCh37 (hg19) VCF-style: chr17-41267745-G-A.
Other names: NM_007294.4(BRCA1):c.132C>T; p.Cys44=; c.132C>T, p.Cys44= (NM_001407687.1, NM_001407688.1, NM_001407689.1 and 192 more transcripts); c.-126C>T (NM_001407694.1, NM_001407696.1, NM_001407724.1 and 13 more transcripts); c.-130C>T (NM_001407695.1, NM_001408465.1); c.-10C>T (NM_001407697.1, NM_001407725.1, NM_001407728.1 and 47 more transcripts); c.-57C>T (NM_001407853.1, NM_001407879.1, NM_001407882.1 and 52 more transcripts); c.-173C>T (NM_001407889.1, NM_001407900.1, NM_001408492.1); and 12 more.
Identifiers: ClinVar variation 230061 (VCV000230061.30), dbSNP rs876658362, ClinGen allele CA10580710.
Genomic context (GRCh38, chr17:43,115,728, plus strand): 5'-GTTATGAAGGACAAAAACAAAAGCTAATAATGGAGCCACATAACACATTCAAACTTACTT[G>A]CAAAATATGTGGTCACACTTTGTGGAGACAGGTTCCTTGATCAACTCCAGACTAGCAGGG-3'
Protein context (NP_009225.1, residues 34-54): PVSTKCDHIF[Cys44=]KFCMLKLLNQ

ClinVar aggregate classification (germline): Pathogenic. Review status: reviewed by expert panel (3 of 4 stars). 8 submissions from 8 submitters: Pathogenic (1). 7 of the submissions do not count toward it. Last evaluated 2026-08-27.

Conditions:
Hereditary cancer-predisposing syndrome. Also called: Tumor predisposition; Hereditary Cancer Syndrome; Neoplastic Syndromes, Hereditary; Hereditary neoplastic syndrome. Identifiers: Orphanet 140162, MedGen C0027672, MeSH D009386, MONDO:0015356.
Hereditary breast ovarian cancer syndrome. Also called: Breast and ovarian cancer; Hereditary breast and ovarian cancer; Hereditary breast and ovarian cancer syndrome; Hereditary breast and/or ovarian cancer syndrome; BRCA1- and BRCA2-Associated Hereditary Breast and Ovarian Cancer; Hereditary breast and ovarian cancer syndrome (HBOC). Identifiers: Orphanet 145, MedGen C0677776, MeSH D061325, MONDO:0003582. Disease mechanism: loss of function.
Breast-ovarian cancer, familial, susceptibility to, 1 (BROVCA1). Also called: BRCA1 Hereditary Breast and Ovarian Cancer; OVARIAN CANCER, SUSCEPTIBILITY TO. Identifiers: Orphanet 145, MedGen C2676676, MONDO:0011450, OMIM 604370. Disease mechanism: loss of function.
BRCA1-related cancer predisposition. Identifiers: MedGen CN377757, MONDO:0700268.

Submissions (9):

ClinGen ENIGMA BRCA1 and BRCA2 Variant Curation Expert Panel, ClinGen
Classification: Pathogenic for BRCA1-related cancer predisposition. Last evaluated: 2026-08-27. Review status: reviewed by expert panel. Criteria: CSpec BRCA1/2ACMG Rules Specifications V1.2. Collection method: curation. Allele origin: germline. Inheritance: Autosomal dominant inheritance.
Comment: The c.132C>T variant in BRCA1 is a synonymous variant (p.(Cys44=)). This variant is absent from gnomAD v4.1 (read depth ≥25x in >90% samples, PM2_Supporting met). Silent variant, functional data considered only from assays that measure effect via mRNA and protein. Reported by one calibrated study incorporating mRNA splicing effects to exhibit function similar to pathogenic control variants (PMID:30209399) (PS3 met). This variant has a SpliceAI score of 0.92, predicting an impact on splicing (score threshold ≥0.2) (PP3 not applied because a PVS1 code is met). This variant is reported to result in aberrant mRNA splicing. Mini-gene demonstrated that the variant impacts splicing by usage of a cryptic splice donor site 4 bp within exon 3 resulting in a truncated protein. Sequencing of the gel bands showed the variant allele produced only the aberrant transcript (PMID: 24667779). A different Mini-gene assay confirmed the complete aberrant splicing. Non-allele specific RT-PCR on patient-derived mRNA (blood) also showed the aberrant splicing (skipping of 4 nucleotides) (PMID: 35087763). An additional assay in tumour tissue containing this variant produced the same aberrant transcript (PMID: 34120093). Appropriate code strength determined by comparison of results to PVS1 decision tree and Rubric of weighing mRNA data (Appendix Table 9): PVS1 (RNA). In summary, this variant meets the criteria to be classified as a Pathogenic variant for BRCA1-related cancer predisposition based on the ACMG/AMP criteria applied as specified by the ENIGMA BRCA1/2 VCEP (PM2_Supporting, PS3, PVS1 (RNA)).

Center for Genomic Medicine, Rigshospitalet, Copenhagen University Hospital
Classification: Pathogenic. Last evaluated: 2025-03-04. Review status: criteria provided, single submitter. Criteria: ACMG Guidelines, 2015. Collection method: clinical testing. Allele origin: germline. Not counted in ClinVar's aggregate classification.

Ambry Genetics
Classification: Likely pathogenic for Hereditary cancer-predisposing syndrome. Last evaluated: 2025-01-23. Review status: criteria provided, single submitter. Criteria: Ambry Variant Classification Scheme 2023. Collection method: clinical testing. Allele origin: germline. Not counted in ClinVar's aggregate classification.
Comment: The c.132C>T variant (also known as p.C44C), located in coding exon 2 of the BRCA1 gene, results from a C to T substitution at nucleotide position 132. This nucleotide substitution does not change the cysteine at codon 44. One functional study found that this nucleotide substitution is non-functional in a high-throughput, genome editing, haploid cell survival assay (Findlay GM et al. Nature, 2018 10;562:217-222). This alteration has been identified in two individuals with ovarian cancer from one family (Wang K et al. Cancer Genet, 2021 Aug;256-257:127-130) as well as in a large, worldwide study of BRCA1/2 mutation positive families (Rebbeck TR et al. Hum Mutat, 2018 05;39:593-620). This variant is considered to be rare based on population cohorts in the Genome Aggregation Database (gnomAD). This nucleotide position is highly conserved in available vertebrate species. In silico splice site analysis predicts that this alteration may weaken the native splice donor site and will result in the creation or strengthening of a novel splice donor site. A splicing reporter minigene assay showed that this alteration led to the use of a cryptic splice site 4 base pairs upstream of the native donor splice site resulting in the loss of the last 4 base pairs of the exon (Steffensen AY et al. Eur J Hum Genet, 2014 Dec;22:1362-8). Based on the majority of available evidence to date, this variant is likely to be pathogenic.

Department of Clinical Genetics, Copenhagen University Hospital, Rigshospitalet
Classification: Pathogenic for Breast-ovarian cancer, familial, susceptibility to, 1. Last evaluated: 2024-05-27. Review status: criteria provided, single submitter. Criteria: ACMG Guidelines, 2015. Collection method: clinical testing. Allele origin: germline. Affected: yes. Not counted in ClinVar's aggregate classification.
Comment: PVS1 (RNA); PS3; PM2_Supporting

Quest Diagnostics Nichols Institute San Juan Capistrano
Classification: Likely pathogenic. Last evaluated: 2024-05-14. Review status: criteria provided, single submitter. Criteria: Quest Diagnostics criteria. Collection method: clinical testing. Allele origin: unknown. Not counted in ClinVar's aggregate classification.
Comment: The BRCA1 c.132C>T (p.Cys44=) synonymous variant has been reported in the published literature in several individuals with breast and/or ovarian cancer (PMIDs: 35864222 (2022), 35087763 (2021), 34120093 (2021), 32803532 (2020)). RNA studies indicate this variant causes aberrant splicing and alters the reading frame of the BRCA1 mRNA, resulting in disrupted protein synthesis (PMIDs: 35087763 (2021), 24667779 (2014)). In addition, saturation genome editing assays measuring DNA repair-dependent cell survival characterized this variant as being non-functional (PMIDs: 32803532 (2020), 30209399 (2018)). This variant has not been reported in large, multi-ethnic general populations (Genome Aggregation Database). Based on the available information, this variant is classified as likely pathogenic.

Color Diagnostics, LLC DBA Color Health
Classification: Likely pathogenic for Hereditary cancer-predisposing syndrome. Last evaluated: 2023-08-28. Review status: criteria provided, single submitter. Criteria: ACMG Guidelines, 2015. Collection method: clinical testing. Allele origin: germline. Not counted in ClinVar's aggregate classification.
Comment: This synonymous variant causes a C>T nucleotide change in exon 3 of the BRCA1 gene. Splice site prediction tools indicate that this variant may create a cryptic splice donor sites 4 nucleotides upstream of the native intron 3 splice donor site. RNA studies on carrier RNA and in minigene-splicing assays have detected an aberrant mRNA transcript lacking the last 4 nucleotides of exon 3 that is predicted to result in absent protein product (PMID: 24667779, 34120093, 35087763). A functional study has reported that this variant impacts BRCA1 function in a haploid cell proliferation assay and decreases RNA transcript abundance (PMID: 30209399). This variant has been detected in at least six individuals affected with breast and/or ovarian cancer (PMID: 32803532, 34120093, 34823292, 35087763, 35864222). This variant has not been identified in the general population by the Genome Aggregation Database (gnomAD). Loss of BRCA1 function is a known mechanism of disease. Based on the available evidence, this variant is classified as Likely Pathogenic.

Breast Center, Key Laboratory of Carcinogenesis and Translational Research
Classification: Pathogenic for Hereditary breast and ovarian cancer syndrome. Last evaluated: 2020-05-01. Review status: criteria provided, single submitter. Criteria: ACMG Guidelines, 2015. Collection method: clinical testing. Allele origin: germline. Observed: 1 variant allele. Not counted in ClinVar's aggregate classification.

Consortium of Investigators of Modifiers of BRCA1/2 (CIMBA), c/o University of Cambridge
Classification: Pathogenic for Breast-ovarian cancer, familial, susceptibility to, 1. Last evaluated: 2015-10-02. Review status: criteria provided, single submitter. Criteria: CIMBA Mutation Classification guidelines May 2016. Collection method: clinical testing. Allele origin: germline. Not counted in ClinVar's aggregate classification.

Brotman Baty Institute, University of Washington
No classification provided (evidence only). Condition: Breast-ovarian cancer, familial 1. Review status: no classification provided. Collection method: in vitro. Allele origin: not applicable. Functional consequence: functionally_abnormal. Not counted in ClinVar's aggregate classification.
ClinVar note: "not provided" was previously submitted as the classification for the variant. However, the classification appeared to be based only on an observation of functional data so it was converted to no classification on 2025-07-30.

Literature cited by the submitters: PubMed 24667779 (cited by 5 submitters); PubMed 30209399 (cited by 5 submitters); PubMed 29446198 (cited by Ambry Genetics and Quest Diagnostics Nichols Institute San Juan Capistrano); PubMed 34120093 (cited by 3 submitters); PubMed 35864222 (cited by Quest Diagnostics Nichols Institute San Juan Capistrano and Color Diagnostics, LLC DBA Color Health); PubMed 32803532 (cited by Quest Diagnostics Nichols Institute San Juan Capistrano and Color Diagnostics, LLC DBA Color Health); PubMed 35087763 (cited by Quest Diagnostics Nichols Institute San Juan Capistrano and Color Diagnostics, LLC DBA Color Health); PubMed 34823292 (cited by Color Diagnostics, LLC DBA Color Health).